The following is an entry in ClinVar:

NM_006231.4(POLE):c.4097T>C (p.Phe1366Ser)

Gene: POLE (DNA polymerase epsilon, catalytic subunit; minus strand). Cytogenetic location: 12q24.33.
Variant type: single nucleotide variant.
Coding change: c.4097T>C on transcript NM_006231.4 (MANE Select); coding-DNA position 4097, T replaced by C.
Protein change: p.Phe1366Ser; replaces phenylalanine 1366 with serine.
Molecular consequence: missense variant.
Genome position (GRCh38, 1-based): chr12:132,648,981, A>G on the plus strand (T>C on the coding strand, the complement: POLE is on the minus strand). VCF-style: chr12-132648981-A-G. GRCh37 (hg19) VCF-style: chr12-133225567-A-G.
Other names: short protein forms F1366S.
Identifiers: ClinVar variation 4141135 (VCV004141135.1).

ClinVar aggregate classification (germline): Uncertain significance (1 of 4 stars; one submission).

Conditions:
Hereditary cancer-predisposing syndrome. Also called: Hereditary neoplastic syndrome; Neoplastic Syndromes, Hereditary; Tumor predisposition; Hereditary Cancer Syndrome. Identifiers: Orphanet 140162, MedGen C0027672, MeSH D009386, MONDO:0015356.

Submission:

Ambry Genetics
Classification: Uncertain significance for Hereditary cancer-predisposing syndrome. Last evaluated: 2025-06-24. Review status: criteria provided, single submitter. Criteria: Ambry Variant Classification Scheme 2023. Collection method: clinical testing. Allele origin: germline.
Comment: The p.F1366S variant (also known as c.4097T>C), located in coding exon 32 of the POLE gene, results from a T to C substitution at nucleotide position 4097. The phenylalanine at codon 1366 is replaced by serine, an amino acid with highly dissimilar properties. This amino acid position is conserved. In addition, this alteration is predicted to be deleterious by in silico analysis. Based on the available evidence, the clinical significance of this variant remains unclear.